The following is an entry in ClinVar:

NM_182961.4(SYNE1):c.21875G>T (p.Gly7292Val)

Gene: SYNE1 (spectrin repeat containing nuclear envelope protein 1; minus strand). Cytogenetic location: 6q25.2.
Variant type: single nucleotide variant.
Coding change: c.21875G>T on transcript NM_182961.4 (MANE Select); coding-DNA position 21875, G replaced by T.
Protein change: p.Gly7292Val; replaces glycine 7292 with valine.
Molecular consequence: missense variant.
Genome position (GRCh38, 1-based): chr6:152,219,172, C>A on the plus strand (G>T on the coding strand, the complement: SYNE1 is on the minus strand). VCF-style: chr6-152219172-C-A. GRCh37 (hg19) VCF-style: chr6-152540307-C-A.
Other names: c.21662G>T, p.Gly7221Val (NM_033071.5); short protein forms G7221V, G7292V.
Identifiers: ClinVar variation 1309337 (VCV001309337.2), dbSNP rs1356061112, ClinGen allele CA366104195.

ClinVar aggregate classification (germline): Uncertain significance (1 of 4 stars; one submission).

gnomAD v4.1: 3 of 1,613,898 alleles (0.00019%); highest among the groups gnomAD compares: African/African-American, 0.0013%; no homozygotes.

Submission:

GeneDx
Classification: Uncertain significance. Last evaluated: 2020-04-28. Review status: criteria provided, single submitter. Criteria: GeneDx Variant Classification Process June 2021. Collection method: clinical testing. Allele origin: germline. Affected: yes.
Comment: Not observed in large population cohorts (Lek et al., 2016); In silico analysis, which includes protein predictors and evolutionary conservation, supports a deleterious effect; Has not been previously published as pathogenic or benign to our knowledge